The following is an entry in ClinVar:

ClinVar aggregate classification (germline): Uncertain significance. Review status: criteria provided, multiple submitters, no conflicts (2 of 4 stars). 2 submissions from 2 submitters: Uncertain significance (2). Last evaluated 2025-11-17.

Conditions:
Epileptic encephalopathy. Identifiers: MedGen C0543888, HP:0200134.

Allele frequency attached by ClinVar (database versions not stated): gnomAD 0.00001.
gnomAD v4.1: 1 of 1,601,466 alleles (0.000062%); highest among the groups gnomAD compares: Admixed American, 0.0017%; no homozygotes.

Submissions (2):

Labcorp Genetics (formerly Invitae), Labcorp
Classification: Uncertain significance for Epileptic encephalopathy. Last evaluated: 2025-11-17. Review status: criteria provided, single submitter. Criteria: Invitae Variant Classification Sherloc (09022015). Collection method: clinical testing. Allele origin: germline.
Comment: This sequence change replaces isoleucine, which is neutral and non-polar, with leucine, which is neutral and non-polar, at codon 184 of the FASN protein (p.Ile184Leu). This variant is not present in population databases (gnomAD no frequency). This variant has not been reported in the literature in individuals affected with FASN-related conditions. ClinVar contains an entry for this variant (Variation ID: 3013493). An algorithm developed to predict the effect of missense changes on protein structure and function outputs the following: PolyPhen-2: "Benign". The leucine amino acid residue is found in multiple mammalian species, which suggests that this missense change does not adversely affect protein function. In summary, the available evidence is currently insufficient to determine the role of this variant in disease. Therefore, it has been classified as a Variant of Uncertain Significance.

Ambry Genetics
Classification: Uncertain significance. Last evaluated: 2025-06-11. Review status: criteria provided, single submitter. Criteria: Ambry Variant Classification Scheme 2023. Collection method: clinical testing. Allele origin: germline.

NM_004104.5(FASN):c.550A>C (p.Ile184Leu)

Gene: FASN (fatty acid synthase; minus strand). Cytogenetic location: 17q25.3.
Variant type: single nucleotide variant.
Coding change: c.550A>C on transcript NM_004104.5 (MANE Select); coding-DNA position 550, A replaced by C.
Protein change: p.Ile184Leu; replaces isoleucine 184 with leucine.
Molecular consequence: missense variant.
Genome position (GRCh38, 1-based): chr17:82,093,324, T>G on the plus strand (A>C on the coding strand, the complement: FASN is on the minus strand). VCF-style: chr17-82093324-T-G. GRCh37 (hg19) VCF-style: chr17-80051200-T-G.
Other names: c.550A>C (NM_004104.4); short protein forms I184L.
Identifiers: ClinVar variation 3013493 (VCV003013493.4), dbSNP rs2509845824, ClinGen allele CA401563671.